The following is an entry in ClinVar:

ClinVar aggregate classification (germline): Uncertain significance (1 of 4 stars; one submission).

Allele frequency attached by ClinVar (database versions not stated): gnomAD 0.00001; TOPMed 0.00001.
gnomAD v4.1: 2 of 1,608,650 alleles (0.00012%); highest among the groups gnomAD compares: African/African-American, 0.0027%; no homozygotes.

Submission:

Labcorp Genetics (formerly Invitae), Labcorp
Classification: Uncertain significance. Last evaluated: 2022-09-10. Review status: criteria provided, single submitter. Criteria: Invitae Variant Classification Sherloc (09022015). Collection method: clinical testing. Allele origin: germline.
Comment: This sequence change replaces glutamic acid, which is acidic and polar, with aspartic acid, which is acidic and polar, at codon 655 of the PROM1 protein (p.Glu655Asp). This variant is not present in population databases (gnomAD no frequency). This variant has not been reported in the literature in individuals affected with PROM1-related conditions. Advanced modeling of protein sequence and biophysical properties (such as structural, functional, and spatial information, amino acid conservation, physicochemical variation, residue mobility, and thermodynamic stability) performed at Invitae indicates that this missense variant is not expected to disrupt PROM1 protein function. In summary, the available evidence is currently insufficient to determine the role of this variant in disease. Therefore, it has been classified as a Variant of Uncertain Significance.

NM_006017.3(PROM1):c.1965A>C (p.Glu655Asp)

Gene: PROM1 (prominin 1; minus strand). Cytogenetic location: 4p15.32.
Variant type: single nucleotide variant.
Coding change: c.1965A>C on transcript NM_006017.3 (MANE Select); coding-DNA position 1965, A replaced by C.
Protein change: p.Glu655Asp; replaces glutamic acid 655 with aspartic acid.
Molecular consequence: missense variant.
Genome position (GRCh38, 1-based): chr4:15,991,240, T>G on the plus strand (A>C on the coding strand, the complement: PROM1 is on the minus strand). VCF-style: chr4-15991240-T-G. GRCh37 (hg19) VCF-style: chr4-15992863-T-G.
Other names: c.1938A>C, p.Glu646Asp (NM_001145847.2, NM_001145848.2, NM_001145851.2 and 4 more transcripts); c.1965A>C, p.Glu655Asp (NM_001145849.2, NM_001145850.2); short protein forms E646D, E655D.
Identifiers: ClinVar variation 1719170 (VCV001719170.5), dbSNP rs1173016433, ClinGen allele CA356430421.
Genomic context (GRCh38, chr4:15,991,240, plus strand): 5'-TCTACAACTACTACAGTATTTAACCGGACGATTTGAACTCACCAAACTGTTTGCTTTTGC[T>G]TCTAGATCATATGCAAATGATAAAAGATTCACTCCTGCGGGGGATTTACCAGTCTACAAT-3'
Protein context (NP_006008.1, residues 645-665): VNLLSFAYDL[Glu655Asp]AKANSLPPGN